The following is an entry in ClinVar:

NM_000552.5(VWF):c.3414C>T (p.Asn1138=)

Gene: VWF (von Willebrand factor; minus strand). Cytogenetic location: 12p13.31.
Variant type: single nucleotide variant.
Coding change: c.3414C>T on transcript NM_000552.5 (MANE Select); coding-DNA position 3414, C replaced by T.
Protein change: p.Asn1138=; no amino-acid change (asparagine 1138 retained).
Molecular consequence: synonymous variant.
Genome position (GRCh38, 1-based): chr12:6,022,864, G>A on the plus strand (C>T on the coding strand, the complement: VWF is on the minus strand). VCF-style: chr12-6022864-G-A. GRCh37 (hg19) VCF-style: chr12-6132030-G-A.
Other names: p.Asn1138=; c.3414C>T (NM_000552.4).
Identifiers: ClinVar variation 256667 (VCV000256667.16), dbSNP rs560397436, ClinGen allele CA6402758.

ClinVar aggregate classification (germline): Benign/Likely benign. Review status: criteria provided, multiple submitters, no conflicts (2 of 4 stars). 11 submissions from 9 submitters: Benign (7); Likely benign (2). 2 of the submissions do not count toward it. Last evaluated 2024-11-27.

Conditions:
von Willebrand disease type 2 (VWD2). Also called: VON WILLEBRAND DISEASE, TYPE 2A/IIE; VON WILLEBRAND DISEASE, TYPE 2CB; VON WILLEBRAND DISEASE, TYPE II; VWD, TYPE 2. Identifiers: Orphanet 166081, Orphanet 903, MedGen C1264040, MONDO:0013304, OMIM 613554.
von Willebrand disease type 3 (VWD3). Also called: Type 3 Von Willebrand's disease; Type 3 VWD; Von Willebrand disease, severe form; V WD3; VON WILLEBRAND DISEASE, TYPE III. Identifiers: Orphanet 166096, MedGen C1264041, MONDO:0010191, OMIM 277480.
von Willebrand disease type 1 (VWD1). Also called: VON WILLEBRAND DISEASE, TYPE I; VWD, TYPE 1. Identifiers: Orphanet 166078, Orphanet 903, MedGen C1264039, MONDO:0008668, OMIM 193400. Inheritance: autosomal recessive or autosomal dominant.

Allele frequency attached by ClinVar (database versions not stated): 1000 Genomes Project 0.03115; 1000 Genomes Project 30x 0.03279; gnomAD 0.04839 and 0.04853; TOPMed 0.04911; gnomAD exomes 0.05091 and 0.06349; ExAC 0.16667.
gnomAD v4.1: 32,494 of 536,594 alleles (6.1%); highest among the groups gnomAD compares: Middle Eastern, 9.7%; 1,266 homozygotes.

Submissions (11):

Blueprint Genetics
Classification: Likely benign. Last evaluated: 2024-11-27. Review status: criteria provided, single submitter. Criteria: ACMG Guidelines, 2015. Collection method: clinical testing. Allele origin: germline.

Mayo Clinic Laboratories, Mayo Clinic
Classification: Benign. Last evaluated: 2023-03-01. Review status: criteria provided, single submitter. Criteria: ACMG Guidelines, 2015. Collection method: clinical testing. Allele origin: germline. Observed: 116 variant alleles.
Comment: BA1, BS1, BP4, BP7

Quest Diagnostics Nichols Institute San Juan Capistrano
Classification: Benign. Last evaluated: 2022-04-28. Review status: criteria provided, single submitter. Criteria: Quest Diagnostics criteria. Collection method: clinical testing. Allele origin: unknown.

Genome-Nilou Lab
Classification: Benign for von Willebrand disease type 1. Last evaluated: 2021-12-05. Review status: criteria provided, single submitter. Criteria: ACMG Guidelines, 2015. Collection method: clinical testing. Allele origin: germline. Affected: no.

Genome-Nilou Lab
Classification: Benign for von Willebrand disease type 3. Last evaluated: 2021-12-05. Review status: criteria provided, single submitter. Criteria: ACMG Guidelines, 2015. Collection method: clinical testing. Allele origin: germline. Affected: no.

Genome-Nilou Lab
Classification: Benign for von Willebrand disease type 2. Last evaluated: 2021-12-05. Review status: criteria provided, single submitter. Criteria: ACMG Guidelines, 2015. Collection method: clinical testing. Allele origin: germline. Affected: no.

GeneDx
Classification: Benign. Last evaluated: 2018-11-12. Review status: criteria provided, single submitter. Criteria: GeneDx Variant Classification Process June 2021. Collection method: clinical testing. Allele origin: germline. Affected: yes.

Breakthrough Genomics
Classification: Likely benign. Review status: criteria provided, single submitter. Criteria: ACMG Guidelines, 2015. Collection method: not provided. Allele origin: germline. Inheritance: Autosomal recessive inheritance. Affected: yes.

PreventionGenetics, part of Exact Sciences
Classification: Benign. Review status: criteria provided, single submitter. Criteria: ACMG Guidelines, 2015. Collection method: clinical testing. Allele origin: germline.

Genome Diagnostics Laboratory, University Medical Center Utrecht
Classification: Benign. Review status: no assertion criteria provided. Collection method: clinical testing. Allele origin: germline. Affected: yes. Study: VKGL Data-share Consensus. Not counted in ClinVar's aggregate classification.

Joint Genome Diagnostic Labs from Nijmegen and Maastricht, Radboudumc and MUMC+
Classification: Benign. Review status: no assertion criteria provided. Collection method: clinical testing. Allele origin: germline. Affected: yes. Study: VKGL Data-share Consensus. Not counted in ClinVar's aggregate classification.